The following is an entry in ClinVar:

ClinVar aggregate classification (germline): Uncertain significance. Review status: criteria provided, multiple submitters, no conflicts (2 of 4 stars). 6 submissions from 6 submitters: Uncertain significance (5). 1 of the submissions does not count toward it. Last evaluated 2024-07-14.

Conditions:
ADGRV1-related disorder. Also called: ADGRV1-related disorders; ADGRV1-related condition.
Usher syndrome type 2C. Also called: USHER SYNDROME, TYPE IIC; Usher syndrome, type 2B. Identifiers: Orphanet 231178, Orphanet 886, MedGen C2931213, MONDO:0011558, OMIM 605472.

Allele frequency attached by ClinVar (database versions not stated): ExAC 0.00003; gnomAD 0.00003; TOPMed 0.00003; gnomAD exomes 0.00004 and 0.00006.
gnomAD v4.1: 98 of 1,610,488 alleles (0.0061%); highest among the groups gnomAD compares: Non-Finnish European, 0.0075%; no homozygotes.

Submissions (6):

Women's Health and Genetics/Laboratory Corporation of America, LabCorp
Classification: Uncertain significance. Last evaluated: 2024-07-14. Review status: criteria provided, single submitter. Criteria: LabCorp Variant Classification Summary - May 2015. Collection method: clinical testing. Allele origin: germline.

Labcorp Genetics (formerly Invitae), Labcorp
Classification: Uncertain significance. Last evaluated: 2022-10-13. Review status: criteria provided, single submitter. Criteria: Invitae Variant Classification Sherloc (09022015). Collection method: clinical testing. Allele origin: germline.
Comment: This sequence change falls in intron 24 of the ADGRV1 gene. It does not directly change the encoded amino acid sequence of the ADGRV1 protein. It affects a nucleotide within the consensus splice site. This variant is present in population databases (rs748976832, gnomAD 0.009%). This variant has not been reported in the literature in individuals affected with ADGRV1-related conditions. ClinVar contains an entry for this variant (Variation ID: 283192). Variants that disrupt the consensus splice site are a relatively common cause of aberrant splicing (PMID: 17576681, 9536098). Algorithms developed to predict the effect of sequence changes on RNA splicing suggest that this variant may create or strengthen a splice site. In summary, the available evidence is currently insufficient to determine the role of this variant in disease. Therefore, it has been classified as a Variant of Uncertain Significance.

Blueprint Genetics
Classification: Uncertain significance. Last evaluated: 2022-02-15. Review status: criteria provided, single submitter. Criteria: ACMG Guidelines, 2015. Collection method: clinical testing. Allele origin: germline.

Eurofins Ntd Llc (ga)
Classification: Uncertain significance. Last evaluated: 2018-02-13. Review status: criteria provided, single submitter. Criteria: EGL ClinVar v180209 classification definitions. Collection method: clinical testing. Allele origin: germline. Observed: 2 variant alleles, 2 heterozygotes.

Illumina Laboratory Services, Illumina
Classification: Uncertain significance for Usher syndrome type 2C. Last evaluated: 2018-01-13. Review status: criteria provided, single submitter. Criteria: ICSL Variant Classification Criteria 13 December 2019. Collection method: clinical testing. Allele origin: germline.

PreventionGenetics, part of Exact Sciences
Classification: Likely benign for ADGRV1-related condition. Last evaluated: 2019-07-11. Review status: no assertion criteria provided. Collection method: clinical testing. Allele origin: germline. Not counted in ClinVar's aggregate classification.
Comment: This variant is classified as likely benign based on ACMG/AMP sequence variant interpretation guidelines (Richards et al. 2015 PMID: 25741868, with internal and published modifications).

Literature cited by the submitters: PubMed 17576681 (cited by Labcorp Genetics (formerly Invitae), Labcorp); PubMed 9536098 (cited by Labcorp Genetics (formerly Invitae), Labcorp).

NM_032119.4(ADGRV1):c.5313+4A>G

Gene: ADGRV1 (adhesion G protein-coupled receptor V1; plus strand). Cytogenetic location: 5q14.3.
Variant type: single nucleotide variant.
Coding change: c.5313+4A>G on transcript NM_032119.4 (MANE Select); 4 bases into the intron after coding-DNA position 5313, A replaced by G.
Molecular consequence: intron variant.
Genome position (GRCh38, 1-based): chr5:90,675,449, A>G. VCF-style: chr5-90675449-A-G. GRCh37 (hg19) VCF-style: chr5-89971266-A-G.
Identifiers: ClinVar variation 283192 (VCV000283192.16), dbSNP rs748976832, ClinGen allele CA3339532.
Genomic context (GRCh38, chr5:90,675,449, plus strand): 5'-GTGACTGCGGAATTTAGAACAGTGTCCTTGACAGCATTCAGTCCTGAGGATTACCAGGTA[A>G]TTTACTCAGTCCTTTTGAAGTTGTATTTGCACTTGTAAAACAGACATAATCCTTCTCTGG-3'